The following is an entry in ClinVar:

ClinVar aggregate classification (germline): Uncertain significance. Review status: criteria provided, multiple submitters, no conflicts (2 of 4 stars). 3 submissions from 3 submitters: Uncertain significance (3). Last evaluated 2026-01-18.

Allele frequency attached by ClinVar (database versions not stated): gnomAD exomes 0.00006 and 0.00008; gnomAD 0.00007; TOPMed 0.00007; ExAC 0.00012; ESP Exome Variant Server 0.00015.
gnomAD v4.1: 92 of 1,613,900 alleles (0.0057%); highest among the groups gnomAD compares: Admixed American, 0.01%; no homozygotes.

Submissions (3):

Labcorp Genetics (formerly Invitae), Labcorp
Classification: Uncertain significance. Last evaluated: 2026-01-18. Review status: criteria provided, single submitter. Criteria: Invitae Variant Classification Sherloc (09022015). Collection method: clinical testing. Allele origin: germline.
Comment: This sequence change replaces histidine, which is basic and polar, with arginine, which is basic and polar, at codon 244 of the SAMD9 protein (p.His244Arg). This variant is present in population databases (rs377645651, gnomAD 0.02%). This missense change has been observed in individual(s) with clinical features of MIRAGE syndrome (PMID: 34621053). ClinVar contains an entry for this variant (Variation ID: 1336793). Invitae Evidence Modeling of protein sequence and biophysical properties (such as structural, functional, and spatial information, amino acid conservation, physicochemical variation, residue mobility, and thermodynamic stability) has been performed for this missense variant. However, the output from this modeling did not meet the statistical confidence thresholds required to predict the impact of this variant on SAMD9 protein function. In summary, the available evidence is currently insufficient to determine the role of this variant in disease. Therefore, it has been classified as a Variant of Uncertain Significance.

GeneDx
Classification: Uncertain significance. Last evaluated: 2025-04-15. Review status: criteria provided, single submitter. Criteria: GeneDx Variant Classification Process June 2021. Collection method: clinical testing. Allele origin: germline. Affected: yes.
Comment: In silico analysis supports that this missense variant has a deleterious effect on protein structure/function; Observed in the germline of individuals with myelodysplastic syndrome (PMID: 34621053); Published functional studies demonstrate significant growth-suppressive effect on HEK293 cells compared to wildtype; however, protein expression 24 hours after transfection was similar to wildtype (PMID: 34621053); This variant is associated with the following publications: (PMID: 28545555, 34621053)

Genetic Services Laboratory, University of Chicago
Classification: Uncertain significance. Last evaluated: 2018-07-26. Review status: criteria provided, single submitter. Criteria: ACMG Guidelines, 2015. Collection method: clinical testing. Allele origin: germline. Affected: no.

Literature cited by the submitters: PubMed 34621053 (cited by Labcorp Genetics (formerly Invitae), Labcorp).

NM_017654.4(SAMD9):c.731A>G (p.His244Arg)

Gene: SAMD9 (sterile alpha motif domain containing 9; minus strand). Cytogenetic location: 7q21.2.
Variant type: single nucleotide variant.
Coding change: c.731A>G on transcript NM_017654.4 (MANE Select); coding-DNA position 731, A replaced by G.
Protein change: p.His244Arg; replaces histidine 244 with arginine.
Molecular consequence: missense variant.
Genome position (GRCh38, 1-based): chr7:93,105,367, T>C on the plus strand (A>G on the coding strand, the complement: SAMD9 is on the minus strand). VCF-style: chr7-93105367-T-C. GRCh37 (hg19) VCF-style: chr7-92734680-T-C.
Other names: c.731A>G, p.His244Arg (NM_001193307.2); short protein forms H244R.
Identifiers: ClinVar variation 1336793 (VCV001336793.10), dbSNP rs377645651, ClinGen allele CA4343083.
Genomic context (GRCh38, chr7:93,105,367, plus strand): 5'-AAATGGTTAATGAGGGCTTCCTTGGTATCATTGGTGACTTTGATGCCAACAATTTTCCCA[T>C]GGGGTTTGTCTTTGACTCCAAAATGAATAGTGCCATTGGTACGTGAATTCATACAAGCTG-3'
Protein context (NP_060124.2, residues 234-254): TIHFGVKDKP[His244Arg]GKIVGIKVTN